The following is an entry in ClinVar:

NM_004369.4(COL6A3):c.7174+5G>A

Gene: COL6A3 (collagen type VI alpha 3 chain; minus strand). Cytogenetic location: 2q37.3.
Variant type: single nucleotide variant.
Coding change: c.7174+5G>A on transcript NM_004369.4 (MANE Select); 5 bases into the intron after coding-DNA position 7174, G replaced by A.
Molecular consequence: intron variant.
Genome position (GRCh38, 1-based): chr2:237,344,936, C>T on the plus strand (G>A on the coding strand, the complement: COL6A3 is on the minus strand). VCF-style: chr2-237344936-C-T. GRCh37 (hg19) VCF-style: chr2-238253579-C-T.
Other names: c.5353+5G>A (NM_057166.5); c.6556+5G>A (NM_057167.4).
Identifiers: ClinVar variation 954140 (VCV000954140.8), dbSNP rs777424537, ClinGen allele CA1139657791.

ClinVar aggregate classification (germline): Uncertain significance (1 of 4 stars; one submission).

Conditions:
Bethlem myopathy 1A. Also called: Bethlem Muscular Dystrophy; Bethlem myopathy 1; MYOPATHY, BENIGN CONGENITAL, WITH CONTRACTURES. Identifiers: Orphanet 610, MedGen CN029274, MONDO:0024530, OMIM 158810.

Submission:

Labcorp Genetics (formerly Invitae), Labcorp
Classification: Uncertain significance for Bethlem myopathy 1A. Last evaluated: 2022-11-15. Review status: criteria provided, single submitter. Criteria: Invitae Variant Classification Sherloc (09022015). Collection method: clinical testing. Allele origin: germline.
Comment: Variants that disrupt the consensus splice site are a relatively common cause of aberrant splicing (PMID: 17576681, 9536098). Algorithms developed to predict the effect of sequence changes on RNA splicing suggest that this variant may disrupt the consensus splice site. ClinVar contains an entry for this variant (Variation ID: 954140). This variant has not been reported in the literature in individuals affected with COL6A3-related conditions. This variant is not present in population databases (gnomAD no frequency). This sequence change falls in intron 35 of the COL6A3 gene. It does not directly change the encoded amino acid sequence of the COL6A3 protein. It affects a nucleotide within the consensus splice site. In summary, the available evidence is currently insufficient to determine the role of this variant in disease. Therefore, it has been classified as a Variant of Uncertain Significance.

Literature cited by the submitters: PubMed 17576681; PubMed 9536098.